The following is an entry in ClinVar:

ClinVar aggregate classification (germline): Likely pathogenic (1 of 4 stars; one submission).

Conditions:
FLNA-related disorder.

Submission:

Rady Children's Institute for Genomic Medicine, Rady Children's Hospital San Diego
Classification: Likely pathogenic for FLNA-Related Disorders. Review status: criteria provided, single submitter. Criteria: ACMG Guidelines, 2015. Collection method: clinical testing. Allele origin: germline. Affected: yes.
Comment: This nonsense variant found in exon 8 of 48 is predicted to result in loss of normal protein function through either protein truncation or nonsense-mediated mRNA decay (NMD). This variant has not been previously reported or functionally characterized in the literature to our knowledge. Loss of function variation in FLNA is an established mechanism of FLNA-related X-linked periventricular heterotopia (PVNH1) (MIM: #300049; PMID: 16684786, 20730588, 26471271). The c.1209C>A (p.Tyr403Ter) variant is absent from the gnomAD population database and thus is presumed to be rare. Based on the available evidence, the c.1209C>A (p.Tyr403Ter) variant is classified as Likely Pathogenic.

NM_001110556.2(FLNA):c.1209C>A (p.Tyr403Ter)

Gene: FLNA (filamin A; minus strand). Cytogenetic location: Xq28.
Variant type: single nucleotide variant.
Coding change: c.1209C>A on transcript NM_001110556.2 (MANE Select); coding-DNA position 1209, C replaced by A.
Protein change: p.Tyr403Ter; replaces tyrosine 403 with a stop codon.
Molecular consequence: nonsense.
Genome position (GRCh38, 1-based): chrX:154,366,327, G>T on the plus strand (C>A on the coding strand, the complement: FLNA is on the minus strand). VCF-style: chrX-154366327-G-T. GRCh37 (hg19) VCF-style: chrX-153594695-G-T.
Other names: c.1209C>A, p.Tyr403Ter (NM_001456.4); short protein forms Y403*.
Identifiers: ClinVar variation 2584466 (VCV002584466.1), dbSNP rs2522760720, ClinGen allele CA415244128.
Genomic context (GRCh38, chrX:154,366,327, plus strand): 5'-TCTCCCCACAGACCAGCTGGGCCTTGGCAGCCTCCCCTCACCTGCCGTAAAGATCTCAAA[G>T]TAGGTGGTCTTGTTGGCGATGTTGCCACTGGGCTCCAGGCCGGGACCTTGGGCTGTCACT-3'